The following is an entry in ClinVar:

NM_024408.4(NOTCH2):c.3272C>A (p.Ser1091Tyr)

Gene: NOTCH2 (notch receptor 2; minus strand). Cytogenetic location: 1p12.
Variant type: single nucleotide variant.
Coding change: c.3272C>A on transcript NM_024408.4 (MANE Select); coding-DNA position 3272, C replaced by A.
Protein change: p.Ser1091Tyr; replaces serine 1091 with tyrosine.
Molecular consequence: missense variant.
Genome position (GRCh38, 1-based): chr1:119,937,922, G>T on the plus strand (C>A on the coding strand, the complement: NOTCH2 is on the minus strand). VCF-style: chr1-119937922-G-T. GRCh37 (hg19) VCF-style: chr1-120480545-G-T.
Other names: c.3272C>A, p.Ser1091Tyr (NM_001200001.2); short protein forms S1091Y.
Identifiers: ClinVar variation 4856029 (VCV004856029.1).

ClinVar aggregate classification (germline): Uncertain significance (1 of 4 stars; one submission).

Conditions:
Alagille syndrome due to a NOTCH2 point mutation. Also called: Alagille syndrome 2. Identifiers: Orphanet 261629, Orphanet 52, MedGen C1857761, MONDO:0012439, OMIM 610205.

Submission:

3billion
Classification: Uncertain significance for Alagille syndrome due to a NOTCH2 point mutation. Last evaluated: 2025-10-08. Review status: criteria provided, single submitter. Criteria: ACMG Guidelines, 2015. Collection method: clinical testing. Allele origin: germline. Affected: yes.
Comment: The variant is not observed in the gnomAD v4.1.0 dataset. Predicted Consequence/Location: Missense variant In silico tool predictions suggest no damaging effect of the variant on gene or gene product [REVEL: 0.39 (<0.4); 3Cnet: 0.01 (<0.1, specificity 0.84 and negative predicitive value 0.97)]. Therefore, this variant is classified as VUS according to the recommendation of ACMG/AMP guideline.